The following is an entry in ClinVar:

NM_001267550.2(TTN):c.95126C>G (p.Pro31709Arg)

Genes: TTN (titin; minus strand), TTN-AS1 (TTN antisense RNA 1; plus strand). Cytogenetic location: 2q31.2.
Variant type: single nucleotide variant.
Coding change: c.95126C>G on transcript NM_001267550.2 (MANE Select); coding-DNA position 95126, C replaced by G.
Protein change: p.Pro31709Arg; replaces proline 31709 with arginine.
Molecular consequence: missense variant.
Genome position (GRCh38, 1-based): chr2:178,546,110, G>C on the plus strand (C>G on the coding strand, the complement: TTN is on the minus strand). VCF-style: chr2-178546110-G-C. GRCh37 (hg19) VCF-style: chr2-179410837-G-C.
Other names: Q8WZ42.4:p.Pro30068Arg; c.90203C>G, p.Pro30068Arg (NM_001256850.1); c.67931C>G, p.Pro22644Arg (NM_003319.4); c.87422C>G, p.Pro29141Arg (NM_133378.4); c.68306C>G, p.Pro22769Arg (NM_133432.3); c.68507C>G, p.Pro22836Arg (NM_133437.4); short protein forms P31709R, P30068R, P29141R, P22769R, P22644R, P22836R.
Identifiers: ClinVar variation 132132 (VCV000132132.12), dbSNP rs869320739, ClinGen allele CA358818.

ClinVar aggregate classification (germline): Conflicting classifications of pathogenicity. Review status: criteria provided, conflicting classifications (1 of 4 stars). 5 submissions from 5 submitters: Pathogenic (1); Likely pathogenic (2); Uncertain significance (1). 1 of the submissions does not count toward it. Last evaluated 2023-03-13.

Conditions:
Myopathy, myofibrillar, 9, with early respiratory failure (MFM9). Also called: EDSTROM MYOPATHY; MYOPATHY, PROXIMAL, WITH EARLY RESPIRATORY MUSCLE INVOLVEMENT; Myopathy, distal, with early respiratory failure, autosomal dominant; Hereditary myopathy with early respiratory failure. Identifiers: Orphanet 178464, Orphanet 34521, MedGen C1863599, MONDO:0011362, OMIM 603689.

Submissions (5):

Illumina Laboratory Services, Illumina
Classification: Likely pathogenic for Myopathy, myofibrillar, 9, with early respiratory failure. Last evaluated: 2023-03-13. Review status: criteria provided, single submitter. Criteria: ICSLVariantClassificationCriteria RUGD 01 April 2020. Collection method: clinical testing. Allele origin: unknown.
Comment: The TTN c.95126C>G (p.Pro31709Arg) missense variant results in the substitution of proline at amino acid position 31709 with arginine. This variant, sometimes referred to in the literature as c.90203C>G (p.Pro30068Arg), has been reported in a heterozygous state in two related individuals with myofibrillar myopathy with early respiratory failure (PMID: 23606733). This variant is not found in version 2.1.1 or version 3.1.2 of the Genome Aggregation Database. This variant is located in exon 343 of TTN, within the 119th fibronectin III domain of the titin A band motif, which is where all disease -causing variants have been located to date(PMID: 24575448). Functional studies in E. coli suggest that the c.95126C>G variant impairs domain solubility and prevents protein folding (PMID: 24636144). Another variant at the same position (c.95126C>A; p.Pro31709His) has been reported in an individual with myofibrillar myopathy with early respiratory failure (PMID: 30666435). Based on the available evidence, the c.95126C>G (p.Pro31709Arg) variant is classified as likely pathogenic for myofibrillar myopathy with early respiratory failure.

Revvity Omics, Revvity
Classification: Likely pathogenic. Last evaluated: 2019-02-21. Review status: criteria provided, single submitter. Criteria: ACMG Guidelines, 2015. Collection method: clinical testing. Allele origin: germline.

GeneDx
Classification: Pathogenic. Last evaluated: 2016-07-29. Review status: criteria provided, single submitter. Criteria: GeneDx Variant Classification (06012015). Collection method: clinical testing. Allele origin: germline. Affected: yes.
Comment: The P29141R missense variant in the TTN gene has been reported previously in association with autosomal dominant hereditary myopathy with early respiratory failure (HMERF) (Palmio et al., 2014). Functional studies indicate that P29141R impairs the domain solubility and prevents proper protein folding (Hedberg et al., 2014). In these studies, the P29141R variant was reported as P30068R due to the use of alternative nomenclature. The P29141R variant was not observed in approximately 6,100 individuals of European and African American ancestry in the NHLBI Exome Sequencing Project, indicating it is not a common benign variant in these populations. The P29141R variant is a non-conservative amino acid substitution, which is likely to impact secondary protein structure as these residues differ in polarity, charge, size and/or other properties. This substitution occurs at a conserved position predicted to be within the 119th fibronectin domain, and in silico analysis predicts this variant is probably damaging to the protein structure/function. Therefore, P29141R is considered a pathogenic variant.

Eurofins Ntd Llc (ga)
Classification: Uncertain significance. Last evaluated: 2015-08-06. Review status: criteria provided, single submitter. Criteria: EGL Classification Definitions 2015. Collection method: clinical testing. Allele origin: germline. Observed: 3 variant alleles, 2 heterozygotes.

GeneReviews
Classification: Pathogenic for Hereditary myopathy with early respiratory failure. Last evaluated: 2014-02-27. Review status: no assertion criteria provided. Collection method: literature only. Allele origin: germline. Affected: yes. Not counted in ClinVar's aggregate classification.

Literature cited by the submitters: PubMed 24575448 (cited by Illumina Laboratory Services, Illumina); PubMed 30666435 (cited by Illumina Laboratory Services, Illumina); PubMed 23606733 (cited by Illumina Laboratory Services, Illumina); PubMed 24636144 (cited by Illumina Laboratory Services, Illumina).